The following is an entry in ClinVar:

ClinVar aggregate classification (germline): Benign/Likely benign. Review status: criteria provided, multiple submitters, no conflicts (2 of 4 stars). 3 submissions from 3 submitters: Benign (1); Likely benign (2). Last evaluated 2025-10-01.

Conditions:
Hereditary cancer-predisposing syndrome. Also called: Hereditary Cancer Syndrome; Hereditary neoplastic syndrome; Tumor predisposition; Neoplastic Syndromes, Hereditary. Identifiers: Orphanet 140162, MedGen C0027672, MeSH D009386, MONDO:0015356.
BAP1-related tumor predisposition syndrome (TPDS1). Also called: COMMON Syndrome; Tumor susceptibility linked to germline BAP1 mutations; TUMOR PREDISPOSITION SYNDROME 1; BAP1 tumor predisposition syndrome. Identifiers: Orphanet 289539, MedGen C3280492, MONDO:0013692, OMIM 614327.

Submissions (3):

Labcorp Genetics (formerly Invitae), Labcorp
Classification: Likely benign for BAP1-related tumor predisposition syndrome. Last evaluated: 2025-10-01. Review status: criteria provided, single submitter. Criteria: Invitae Variant Classification Sherloc (09022015). Collection method: clinical testing. Allele origin: germline.

Myriad Genetics, Inc.
Classification: Benign for BAP1-related tumor predisposition syndrome. Last evaluated: 2024-07-11. Review status: criteria provided, single submitter. Criteria: Myriad Autosomal Dominant, Autosomal Recessive and X-Linked Classification Criteria (2023). Collection method: clinical testing. Allele origin: unknown.
Comment: This variant is considered benign. This variant is a silent/synonymous amino acid change and it is not expected to impact splicing.

Ambry Genetics
Classification: Likely benign for Hereditary cancer-predisposing syndrome. Last evaluated: 2022-10-15. Review status: criteria provided, single submitter. Criteria: Ambry Variant Classification Scheme 2023. Collection method: clinical testing. Allele origin: germline.

NM_004656.4(BAP1):c.243C>T (p.Phe81=)

Gene: BAP1 (BRCA1 associated deubiquitinase 1; minus strand). Cytogenetic location: 3p21.1.
Variant type: single nucleotide variant.
Coding change: c.243C>T on transcript NM_004656.4 (MANE Select); coding-DNA position 243, C replaced by T.
Protein change: p.Phe81=; no amino-acid change (phenylalanine 81 retained).
Molecular consequence: synonymous variant.
Genome position (GRCh38, 1-based): chr3:52,408,486, G>A on the plus strand (C>T on the coding strand, the complement: BAP1 is on the minus strand). VCF-style: chr3-52408486-G-A. GRCh37 (hg19) VCF-style: chr3-52442502-G-A.
Other names: c.243C>T, p.Phe81= (NM_001410772.1).
Identifiers: ClinVar variation 1791299 (VCV001791299.6), dbSNP rs2153228285, ClinGen allele CA433778108.